The following is an entry in ClinVar:

ClinVar aggregate classification (germline): Uncertain significance (1 of 4 stars; one submission).

Allele frequency attached by ClinVar (database versions not stated): gnomAD 0.00001; ExAC 0.00005.
gnomAD v4.1: 25 of 1,614,072 alleles (0.0015%); highest among the groups gnomAD compares: South Asian, 0.011%; 1 homozygote.

Submission:

Ambry Genetics
Classification: Uncertain significance. Last evaluated: 2023-11-01. Review status: criteria provided, single submitter. Criteria: Ambry Variant Classification Scheme 2023. Collection method: clinical testing. Allele origin: germline.
Comment: The p.G1146D variant (also known as c.3437G>A), located in coding exon 4 of the ALPK2 gene, results from a G to A substitution at nucleotide position 3437. The glycine at codon 1146 is replaced by aspartic acid, an amino acid with similar properties. This amino acid position is conserved. In addition, this alteration is predicted to be tolerated by in silico analysis. Since supporting evidence is limited at this time, the clinical significance of this alteration remains unclear.

NM_052947.4(ALPK2):c.3437G>A (p.Gly1146Asp)

Gene: ALPK2 (alpha kinase 2; minus strand). Cytogenetic location: 18q21.31.
Variant type: single nucleotide variant.
Coding change: c.3437G>A on transcript NM_052947.4 (MANE Select); coding-DNA position 3437, G replaced by A.
Protein change: p.Gly1146Asp; replaces glycine 1146 with aspartic acid.
Molecular consequence: missense variant.
Genome position (GRCh38, 1-based): chr18:58,536,750, C>T on the plus strand (G>A on the coding strand, the complement: ALPK2 is on the minus strand). VCF-style: chr18-58536750-C-T. GRCh37 (hg19) VCF-style: chr18-56203982-C-T.
Other names: short protein forms G1146D.
Identifiers: ClinVar variation 1731421 (VCV001731421.2), dbSNP rs545748598, ClinGen allele CA8976904.